The following is an entry in ClinVar:

NM_024675.4(PALB2):c.2175_2176del (p.Pro726fs)

Gene: PALB2 (partner and localizer of BRCA2; minus strand). Cytogenetic location: 16p12.2.
Variant type: Deletion.
Coding change: c.2175_2176del on transcript NM_024675.4 (MANE Select); coding-DNA positions 2175 to 2176, 2 bases deleted (AC; older notation c.2175_2176delAC).
Protein change: p.Pro726fs; shifts the reading frame from proline 726.
Molecular consequence: frameshift variant.
Genome position (GRCh38, 1-based): chr16:23,629,978-23,629,979, GT deleted on the plus strand (AC on the coding strand, the reverse complement: PALB2 is on the minus strand); deleting any 2 consecutive bases within chr16:23,629,978-23,629,980 gives the same sequence; the c. name uses the placement nearest the transcript's 3' end. VCF-style (leftmost placement, unchanged base first): chr16-23629977-GGT-G. GRCh37 (hg19) VCF-style: chr16-23641298-GGT-G.
Other names: c.2175_2176delAC (NM_024675.3); short protein forms P726fs.
Identifiers: ClinVar variation 480246 (VCV000480246.5), dbSNP rs1555460463, ClinGen allele CA658658408.
Genomic context (GRCh38, chr16:23,629,977, plus strand): 5'-GCTTTTTCATAGGAGCCTTGAGGGCCAAAGGCTGGAGTAGTACCTAAGATGGGGAAAGCA[GGT>G]GAACACATGTCTGTGGTAGGCCTGTCATTATCATCAGGCGCAACCGTATTTAAAGGAGTA-3'

ClinVar aggregate classification (germline): Pathogenic (1 of 4 stars; one submission).

Conditions:
Hereditary cancer-predisposing syndrome. Also called: Hereditary Cancer Syndrome; Neoplastic Syndromes, Hereditary; Tumor predisposition; Hereditary neoplastic syndrome. Identifiers: Orphanet 140162, MedGen C0027672, MeSH D009386, MONDO:0015356.

Submission:

Ambry Genetics
Classification: Pathogenic for Hereditary cancer-predisposing syndrome. Last evaluated: 2016-03-24. Review status: criteria provided, single submitter. Criteria: Ambry Variant Classification Scheme 2023. Collection method: clinical testing. Allele origin: germline.
Comment: The c.2175_2176delAC pathogenic mutation, located in coding exon 5 of the PALB2 gene, results from a deletion of two nucleotides between nucleotide positions 2175 and 2176, causing a translational frameshift with a predicted alternate stop codon. Since frameshifts are typically deleterious in nature, this alteration is interpreted as a disease-causing mutation (ACMG Recommendations for Standards for Interpretation and Reporting of Sequence Variations. Revision 2007. Genet Med. 2008;10:294).